The following continues an entry in ClinVar:

NM_024675.4(PALB2):c.509_510del (p.Arg170fs)

Gene: PALB2. ClinVar aggregate classification (germline): Pathogenic. Pathogenic (41).

Submissions 10 to 29 of 55:

Molecular Diagnostics Laboratory, Catalan Institute of Oncology
Classification: Pathogenic for Hereditary cancer-predisposing syndrome. Last evaluated: 2025-03-20. Review status: criteria provided, single submitter. Criteria: ClinGen ACMG Specifications PALB2 V1.0.0. Collection method: clinical testing. Allele origin: germline.
Comment: PVS1, PS4, PM5_Supporting c.509_510del, located in exon 4 of the PALB2 gene, consists in the deletion/insertion/duplication of 2 nucleotides, causing a translational frameshift with a predicted alternate stop codon (p.(Arg170Ilefs*14)). This alteration is expected to result in loss of function by premature protein truncation and nonsense-mediated mRNA decay (PVS1). This variant is found in 5/268306 alleles at a frequency of 0.002% in the gnomAD v2.1.1 database, non-cancer dataset. It has been reported in two case-control studies, being found in 41 out of 60466 and 10 out of 3,924 breast cancer-affected patients, and none of the 53461 and 2827 healthy controls, respectively (PMID:33471991, PMID: 24061862). This variant has been found in multiple cancer-affected individuals (PMID:36171877, PMID:37685988, PMID:36717525, PMID: 20122277) (PS4). This variant has been reported in the ClinVar database (47x pathogenic) and in the LOVD (22x pathogenic). This variant produces a premature termination codon upstream of p.Tyr1183 (PM5_Supporting). Based on currently available information, the variant c.509_510del should be considered a pathogenic variant according to ClinGen Hereditary Breast, Ovarian and Pancreatic Cancer Expert Panel Specifications to the ACMG/AMP Variant Interpretation Guidelines for PALB2 Version 1.0.0.

Center for Genomic Medicine, Rigshospitalet, Copenhagen University Hospital
Classification: Pathogenic. Last evaluated: 2025-03-04. Review status: criteria provided, single submitter. Criteria: ACMG Guidelines, 2015. Collection method: clinical testing. Allele origin: germline.

Laboratory of Genetics, Children's Clinical University Hospital Latvia
Classification: Pathogenic. Last evaluated: 2025-02-16. Review status: criteria provided, single submitter. Criteria: ACMG Guidelines, 2015. Collection method: clinical testing. Allele origin: germline. Affected: yes.

Department of Clinical Genetics, Copenhagen University Hospital, Rigshospitalet
Classification: Pathogenic for Hereditary cancer-predisposing syndrome. Last evaluated: 2025-02-04. Review status: criteria provided, single submitter. Criteria: ACMG Guidelines, 2015. Collection method: clinical testing. Allele origin: germline.
Comment: PVS1; PM5_SUP; PS4_SUP

Blueprint Genetics
Classification: Pathogenic for PALB2-related disorders. Last evaluated: 2024-11-07. Review status: criteria provided, single submitter. Criteria: ACMG Guidelines, 2015. Collection method: clinical testing. Allele origin: germline. Affected: yes. Observed: 5 variant alleles.

Ambry Genetics
Classification: Pathogenic for Hereditary cancer-predisposing syndrome. Last evaluated: 2024-10-28. Review status: criteria provided, single submitter. Criteria: Ambry Variant Classification Scheme 2023. Collection method: clinical testing. Allele origin: germline.
Comment: The c.509_510delGA pathogenic mutation, located in coding exon 4 of the PALB2 gene, results from a deletion of two nucleotides at nucleotide positions 509 to 510, causing a translational frameshift with a predicted alternate stop codon (p.R170Ifs*14). This alteration has been reported in familial breast, ovarian, and pancreatic cancer cohorts with carrier ethnicity data supporting c.509_510delGA as a founder mutation of central European origin (Dansonka-Mieszkowska A et al. BMC Med. Genet. 2010 Feb;11:20; Slater EP et al. Clin. Genet. 2010 Nov;78:490-4; Casadei S et al. Cancer Res. 2011 Mar;71:2222-9; Noskowicz M et al. Fam. Cancer. 2014 Jun;13:137-42; Cybulski C et al. Clin. Genet. 2015 Oct;88:366-70; Desmond A et al. JAMA Oncol. 2015 Oct;1:943-51; Kluska A et al. BMC Med. Genomics. 2017 Mar;10:14). Additional data has led authors to suggest that this is one of two PALB2 founder mutations associated with poor outcome in Polish breast cancer patients (Cybulski C et al. Lancet Oncol. 2015 Jun;16:638-44). Further, a functional characterization of this alteration showed that the truncated protein results in weakly bound DNA substrates, suggesting that the loss of the second DNA binding domain affects the affinity for DNA, resulting in significantly impaired DNA binding (Pauty J et al. Nucleic Acids Res. 2017 Mar;45:2644-2657). In addition to the clinical data presented in the literature, this alteration is expected to result in loss of function by premature protein truncation or nonsense-mediated mRNA decay. As such, this alteration is interpreted as a disease-causing mutation.

Institute of Human Genetics, University of Leipzig Medical Center
Classification: Pathogenic for Familial cancer of breast. Last evaluated: 2024-09-16. Review status: criteria provided, single submitter. Criteria: ACMG Guidelines, 2015. Collection method: clinical testing. Allele origin: unknown. Affected: yes.
Comment: Criteria applied: PVS1,PS4

Institute of Human Genetics, University of Leipzig Medical Center
Classification: Pathogenic for Breast-ovarian cancer, familial, susceptibility to, 1. Last evaluated: 2024-05-22. Review status: criteria provided, single submitter. Criteria: ACMG Guidelines, 2015. Collection method: clinical testing. Allele origin: unknown. Inheritance: Autosomal dominant inheritance. Affected: yes.
Comment: the same text as in the submission from Institute of Human Genetics, University of Leipzig Medical Center above.

Baylor Genetics
Classification: Pathogenic for Familial cancer of breast. Last evaluated: 2024-03-25. Review status: criteria provided, single submitter. Criteria: ACMG Guidelines, 2015. Collection method: clinical testing. Allele origin: unknown.

Baylor Genetics
Classification: Pathogenic for Breast-ovarian cancer, familial, susceptibility to, 5. Last evaluated: 2024-02-28. Review status: criteria provided, single submitter. Criteria: ACMG Guidelines, 2015. Collection method: clinical testing. Allele origin: unknown.

Clinical Genetics Laboratory, Skane University Hospital Lund
Classification: Pathogenic. Last evaluated: 2023-12-15. Review status: criteria provided, single submitter. Criteria: ACMG Guidelines, 2015. Collection method: clinical testing. Allele origin: germline. Affected: yes.

Myriad Genetics, Inc.
Classification: Pathogenic for Familial cancer of breast. Last evaluated: 2023-03-31. Review status: criteria provided, single submitter. Criteria: Myriad Autosomal Dominant, Autosomal Recessive and X-Linked Classification Criteria (2023). Collection method: clinical testing. Allele origin: unknown.
Comment: This variant is considered pathogenic. This variant creates a frameshift predicted to result in premature protein truncation.

Centre for Mendelian Genomics, University Medical Centre Ljubljana
Classification: Pathogenic for Familial cancer of breast. Last evaluated: 2022-12-09. Review status: criteria provided, single submitter. Criteria: ACMG Guidelines, 2015. Collection method: research. Allele origin: germline. Affected: no.
Comment: PVS1, PS3, PS4_STR

Institute for Biomarker Research, Medical Diagnostic Laboratories, L.L.C.
Classification: Pathogenic for Hereditary cancer-predisposing syndrome. Last evaluated: 2022-11-22. Review status: criteria provided, single submitter. Criteria: ACMG Guidelines, 2015. Collection method: clinical testing. Allele origin: germline.

Laboratory for Molecular Medicine, Mass General Brigham Personalized Medicine
Classification: Pathogenic for Familial cancer of breast. Last evaluated: 2022-08-24. Review status: criteria provided, single submitter. Criteria: ACMG Guidelines, 2015. Collection method: clinical testing. Allele origin: germline. Inheritance: Autosomal dominant inheritance.
Comment: The p.Arg170IlefsX14 variant in PALB2 has been reported in numerous individuals with PABL2-associated cancers, including familial breast, ovarian, and pancreatic cancer and is considered to be a founder variant of central and eastern European origin (selected references: Dansonka-Mieszkowska 2010 PMID: 20122277, Slater 2010 PMID: 20412113, Casadei 2011 PMID: 21285249, Noskowicz 2014 PMID: 24061862, Cybulski 2015 PMID: 25330149, Kluska 2017 PMID: 28279176). This variant has also been reported by other clinical laboratories in ClinVar (Variation ID 126757) and has been identified in 0.001% (2/68010) of European chromosomes by gnomAD (v.3.1). This variant is predicted to cause a frameshift, which alters the protein’s amino acid sequence beginning at position 170 and leads to a premature termination codon 14 amino acids downstream. This alteration is then predicted to lead to a truncated or absent protein. Loss of function of the PALB2 gene is an established disease mechanism in PALB2-associated cancers, including autosomal dominant breast cancer. In summary, this variant meets criteria to be classified as pathogenic for autosomal dominant PALB2-associated cancers. ACMG/AMP Criteria applied: PVS1, PS4, PM2_Supporting.

MGZ Medical Genetics Center
Classification: Pathogenic for Familial cancer of breast. Last evaluated: 2022-07-07. Review status: criteria provided, single submitter. Criteria: ACMG Guidelines, 2015. Collection method: clinical testing. Allele origin: germline. Affected: yes. Observed: 2 variant alleles.
Comment: ACMG criteria applied: PVS1, PS4, PM2_SUP, PP1

CHEO Genetics Diagnostic Laboratory, Children's Hospital of Eastern Ontario
Classification: Pathogenic for Breast and/or ovarian cancer. Last evaluated: 2022-05-26. Review status: criteria provided, single submitter. Criteria: ACMG Guidelines, 2015. Collection method: clinical testing. Allele origin: germline.

Fulgent Genetics
Classification: Pathogenic for Familial cancer of breast; Fanconi anemia complementation group N; Pancreatic cancer, susceptibility to, 3. Last evaluated: 2022-03-16. Review status: criteria provided, single submitter. Criteria: ACMG Guidelines, 2015. Collection method: clinical testing. Allele origin: unknown.

Institute for Clinical Genetics, University Hospital TU Dresden, University Hospital TU Dresden
Classification: Pathogenic. Last evaluated: 2021-11-03. Review status: criteria provided, single submitter. Criteria: ACMG Guidelines, 2015. Collection method: clinical testing. Allele origin: germline.

Quest Diagnostics Nichols Institute San Juan Capistrano
Classification: Pathogenic. Last evaluated: 2021-08-20. Review status: criteria provided, single submitter. Criteria: Quest Diagnostics criteria. Collection method: clinical testing. Allele origin: unknown.
Comment: This frameshift variant causes the premature termination of PALB2 protein synthesis. In addition, it has been identified in individuals with breast, ovarian and pancreatic cancers as well as in healthy controls in the published literature (PMID: 28279176 (2017), 27106063 (2016), 27038244 (2016), 26720728 (2016), 26270727 (2015), 26083025 (2015), 25959805 (2015), 25452441 (2015), 25330149 (2015), 25186627 (2015), 25099575 (2014), 24415441 (2014), 24136930 (2013), 24061862 (2014), 21285249 (2011), 21165770 (2011), 20582465 (2011), 20412113 (2010), 20122277 (2010)). Functional studies in the published literature report this variant reduced DNA binding and failed to stimulate RAD51-mediated strand invasion (PMID: 28158555 (2017)). Based on the available information, this variant is classified as pathogenic.